The following is an entry in ClinVar:

NM_017780.4(CHD7):c.1516C>G (p.Pro506Ala)

Gene: CHD7 (chromodomain helicase DNA binding protein 7; plus strand). Cytogenetic location: 8q12.2.
Variant type: single nucleotide variant.
Coding change: c.1516C>G on transcript NM_017780.4 (MANE Select); coding-DNA position 1516, C replaced by G.
Protein change: p.Pro506Ala; replaces proline 506 with alanine.
Molecular consequence: missense variant.
Genome position (GRCh38, 1-based): chr8:60,742,948, C>G. VCF-style: chr8-60742948-C-G. GRCh37 (hg19) VCF-style: chr8-61655507-C-G.
Other names: c.1516C>G, p.Pro506Ala (NM_001316690.1); short protein forms P506A.
Identifiers: ClinVar variation 4687306 (VCV004687306.2).

ClinVar aggregate classification (germline): Conflicting classifications of pathogenicity. Review status: criteria provided, conflicting classifications (1 of 4 stars). 2 submissions from 2 submitters: Uncertain significance (1); Likely benign (1). Last evaluated 2025-12-03.

Conditions:
CHARGE syndrome (CHARGE). Also called: Hittner Hirsch Kreh syndrome; CHARGE ASSOCIATION--COLOBOMA, HEART ANOMALY, CHOANAL ATRESIA, RETARDATION, GENITAL AND EAR ANOMALIES; Coloboma, heart anomaly, choanal atresia, retardation, genital and ear anomalies; CHARGE association; Hall-Hittner syndrome. Identifiers: Orphanet 138, MedGen C0265354, MONDO:0008965.

gnomAD v4.1: 10 of 1,613,362 alleles (0.00062%); highest among the groups gnomAD compares: Non-Finnish European, 0.00085%; no homozygotes.

Submissions (2):

Labcorp Genetics (formerly Invitae), Labcorp
Classification: Likely benign for CHARGE syndrome. Last evaluated: 2025-12-03. Review status: criteria provided, single submitter. Criteria: Invitae Variant Classification Sherloc (09022015). Collection method: clinical testing. Allele origin: germline.

Women's Health and Genetics/Laboratory Corporation of America, LabCorp
Classification: Uncertain significance. Last evaluated: 2025-10-14. Review status: criteria provided, single submitter. Criteria: LabCorp Variant Classification Summary - May 2015. Collection method: clinical testing. Allele origin: germline.
Comment: Variant summary: CHD7 c.1516C>G (p.Pro506Ala) results in a non-conservative amino acid change in the encoded protein sequence. Algorithms developed to predict the effect of missense changes on protein structure and function are either unavailable or do not agree on the potential impact of this missense change. The variant allele was found at a frequency of 4e-06 in 247752 control chromosomes. The available data on variant occurrences in the general population are insufficient to allow any conclusion about variant significance. To our knowledge, no occurrence of c.1516C>G in individuals affected with CHD7-related conditions and no experimental evidence demonstrating its impact on protein function have been reported. No submitters have cited clinical-significance assessments for this variant to ClinVar. Based on the evidence outlined above, the variant was classified as uncertain significance.